The following is an entry in ClinVar:

ClinVar aggregate classification (germline): Uncertain significance (1 of 4 stars; one submission).

Allele frequency attached by ClinVar (database versions not stated): gnomAD exomes below 0.00001.
gnomAD v4.1: 2 of 1,614,138 alleles (0.00012%); highest among the groups gnomAD compares: Non-Finnish European, 0.00017%; no homozygotes.

Submission:

Labcorp Genetics (formerly Invitae), Labcorp
Classification: Uncertain significance. Last evaluated: 2021-12-03. Review status: criteria provided, single submitter. Criteria: Invitae Variant Classification Sherloc (09022015). Collection method: clinical testing. Allele origin: germline.
Comment: This sequence change replaces asparagine, which is neutral and polar, with serine, which is neutral and polar, at codon 179 of the HOXB13 protein (p.Asn179Ser). This variant is not present in population databases (gnomAD no frequency). This variant has not been reported in the literature in individuals affected with HOXB13-related conditions. Algorithms developed to predict the effect of missense changes on protein structure and function output the following: SIFT: "Tolerated"; PolyPhen-2: "Benign"; Align-GVGD: "Class C0". The serine amino acid residue is found in multiple mammalian species, which suggests that this missense change does not adversely affect protein function. In summary, the available evidence is currently insufficient to determine the role of this variant in disease. Therefore, it has been classified as a Variant of Uncertain Significance.

NM_006361.6(HOXB13):c.536A>G (p.Asn179Ser)

Gene: HOXB13 (homeobox B13; minus strand). Cytogenetic location: 17q21.32.
Variant type: single nucleotide variant.
Coding change: c.536A>G on transcript NM_006361.6 (MANE Select); coding-DNA position 536, A replaced by G.
Protein change: p.Asn179Ser; replaces asparagine 179 with serine.
Molecular consequence: missense variant.
Genome position (GRCh38, 1-based): chr17:48,728,058, T>C on the plus strand (A>G on the coding strand, the complement: HOXB13 is on the minus strand). VCF-style: chr17-48728058-T-C. GRCh37 (hg19) VCF-style: chr17-46805420-T-C.
Other names: short protein forms N179S.
Identifiers: ClinVar variation 1354959 (VCV001354959.6), dbSNP rs2143071244, ClinGen allele CA400107244.